The following is an entry in ClinVar:

NM_033305.3(VPS13A):c.1330G>C (p.Glu444Gln)

Gene: VPS13A (vacuolar protein sorting 13 homolog A; plus strand). Cytogenetic location: 9q21.2.
Variant type: single nucleotide variant.
Coding change: c.1330G>C on transcript NM_033305.3 (MANE Select); coding-DNA position 1330, G replaced by C.
Protein change: p.Glu444Gln; replaces glutamic acid 444 with glutamine.
Molecular consequence: missense variant.
Genome position (GRCh38, 1-based): chr9:77,226,571, G>C. VCF-style: chr9-77226571-G-C. GRCh37 (hg19) VCF-style: chr9-79841487-G-C.
Other names: c.1330G>C, p.Glu444Gln (NM_001018037.2, NM_001018038.3, NM_015186.4); short protein forms E444Q.
Identifiers: ClinVar variation 1807131 (VCV001807131.8), dbSNP rs201529045, ClinGen allele CA5091641.
Genomic context (GRCh38, chr9:77,226,571, plus strand): 5'-CCAGAGGATAATAAAGGGTGGTTTAGCTGGCTATGGTCTTGGTCAGAACAAAATACTAAT[G>C]AACAGCAACCAGATGTTCAACCTGAAAGTATGTCCATTTCATTTTACAGCATAGTTAATC-3'
Protein context (NP_150648.2, residues 434-454): LWSWSEQNTN[Glu444Gln]QQPDVQPETL

ClinVar aggregate classification (germline): Uncertain significance. Review status: criteria provided, multiple submitters, no conflicts (2 of 4 stars). 4 submissions from 4 submitters: Uncertain significance (4). Last evaluated 2026-06-30.

Conditions:
Inborn genetic diseases. Identifiers: MedGen C0950123, MeSH D030342.

Allele frequency attached by ClinVar (database versions not stated): gnomAD exomes 0.00003; ExAC 0.00007; gnomAD 0.00030; 1000 Genomes Project 30x 0.00031; TOPMed 0.00039; 1000 Genomes Project 0.00040; ESP Exome Variant Server 0.00046.
gnomAD v4.1: 86 of 1,612,696 alleles (0.0053%); highest among the groups gnomAD compares: African/African-American, 0.1%; no homozygotes.

Submissions (4):

GeneDx
Classification: Uncertain significance. Last evaluated: 2026-06-30. Review status: criteria provided, single submitter. Criteria: GeneDx Variant Classification Process June 2021. Collection method: clinical testing. Allele origin: germline.
Comment: In silico analysis suggests that this missense variant does not alter protein structure/function; Has not been previously published as pathogenic or benign to our knowledge

Athena Diagnostics
Classification: Uncertain significance. Last evaluated: 2025-03-03. Review status: criteria provided, single submitter. Criteria: Athena Diagnostics Criteria. Collection method: clinical testing. Allele origin: unknown.
Comment: Available data are insufficient to determine the clinical significance of the variant at this time. The frequency of this variant in the general population is higher than would generally be expected for pathogenic variants in this gene. Polyphen and MutationTaster predict this amino acid change may be benign.

Ambry Genetics
Classification: Uncertain significance for Inborn genetic diseases. Last evaluated: 2023-03-06. Review status: criteria provided, single submitter. Criteria: Ambry Variant Classification Scheme 2023. Collection method: clinical testing. Allele origin: germline.

Labcorp Genetics (formerly Invitae), Labcorp
Classification: Uncertain significance. Last evaluated: 2022-08-19. Review status: criteria provided, single submitter. Criteria: Invitae Variant Classification Sherloc (09022015). Collection method: clinical testing. Allele origin: germline.
Comment: This sequence change replaces glutamic acid, which is acidic and polar, with glutamine, which is neutral and polar, at codon 444 of the VPS13A protein (p.Glu444Gln). This variant is present in population databases (rs201529045, gnomAD 0.1%). This variant has not been reported in the literature in individuals affected with VPS13A-related conditions. Algorithms developed to predict the effect of missense changes on protein structure and function (SIFT, PolyPhen-2, Align-GVGD) all suggest that this variant is likely to be tolerated. In summary, the available evidence is currently insufficient to determine the role of this variant in disease. Therefore, it has been classified as a Variant of Uncertain Significance.